The following is an entry in ClinVar:

NM_001111125.3(IQSEC2):c.3875del (p.Pro1292fs)

Gene: IQSEC2 (IQ motif and Sec7 domain ArfGEF 2; minus strand). Cytogenetic location: Xp11.22.
Variant type: Deletion.
Coding change: c.3875del on transcript NM_001111125.3 (MANE Select); coding-DNA position 3875, one base deleted (C; older notation c.3875delC).
Protein change: p.Pro1292fs; shifts the reading frame from proline 1292.
Molecular consequence: frameshift variant. On other transcripts: 3 prime UTR variant (1).
Genome position (GRCh38, 1-based): chrX:53,234,811, G deleted on the plus strand (C on the coding strand, the reverse complement: IQSEC2 is on the minus strand); the first of 5 consecutive G bases (chrX:53,234,811-53,234,815); deleting any one gives the same sequence. VCF-style (leftmost placement, unchanged base first): chrX-53234810-TG-T. GRCh37 (hg19) VCF-style: chrX-53263992-TG-T.
Other names: c.*360del (NM_015075.2); c.3875del (NM_001111125.2); short protein forms P1292fs.
Identifiers: ClinVar variation 623140 (VCV000623140.13), dbSNP rs1569291627, ClinGen allele CA913191241.

ClinVar aggregate classification (germline): Pathogenic/Likely pathogenic. Review status: criteria provided, multiple submitters, no conflicts (2 of 4 stars). 2 submissions from 2 submitters: Pathogenic (1); Likely pathogenic (1). Last evaluated 2020-03-18.

Conditions:
Intellectual developmental disorder, X-linked 1. Also called: MENTAL RETARDATION, X-LINKED 18; MENTAL RETARDATION, X-LINKED 78; Atkin Flaitz Patil Smith syndrome; Intellectual disability, X-linked 1. Identifiers: Orphanet 777, MedGen C2931498, MONDO:0010656, OMIM 309530.

Submissions (2):

Labcorp Genetics (formerly Invitae), Labcorp
Classification: Pathogenic for Intellectual developmental disorder, X-linked 1. Last evaluated: 2020-03-18. Review status: criteria provided, single submitter. Criteria: Invitae Variant Classification Sherloc (09022015). Collection method: clinical testing. Allele origin: germline.
Comment: This sequence change results in a premature translational stop signal in the IQSEC2 gene (p.Pro1292Hisfs*105). While this is not anticipated to result in nonsense mediated decay, it is expected to disrupt the last 197 amino acids of the IQSEC2 protein. The frequency data for this variant in the population databases is considered unreliable, as metrics indicate insufficient coverage at this position in the ExAC database. For these reasons, this variant has been classified as Pathogenic. This variant disrupts the C-terminus of the IQSEC2 protein. Other variant(s) that disrupt this region (p.Ala1347Glyfs*40) have been determined to be pathogenic (PMID: 27864847). This suggests that variants that disrupt this region of the protein are likely to be causative of disease. This variant has not been reported in the literature in individuals with IQSEC2-related conditions. ClinVar contains an entry for this variant (Variation ID: 623140).

Molecular Diagnostics Laboratory, M Health Fairview: University of Minnesota
Classification: Likely pathogenic for Intellectual developmental disorder, X-linked 1. Last evaluated: 2017-02-24. Review status: criteria provided, single submitter. Criteria: ACMG Guidelines, 2015. Collection method: clinical testing. Allele origin: germline. Affected: yes. Observed: 1 variant allele.

Literature cited by the submitters: PubMed 27864847 (cited by Labcorp Genetics (formerly Invitae), Labcorp); PubMed 27009485 (cited by Molecular Diagnostics Laboratory, M Health Fairview: University of Minnesota); PubMed 20473311 (cited by Molecular Diagnostics Laboratory, M Health Fairview: University of Minnesota); PubMed 21686261 (cited by Molecular Diagnostics Laboratory, M Health Fairview: University of Minnesota); PubMed 27369185 (cited by Molecular Diagnostics Laboratory, M Health Fairview: University of Minnesota); PubMed 27665735 (cited by Molecular Diagnostics Laboratory, M Health Fairview: University of Minnesota).